The following is an entry in ClinVar:

NM_000414.4(HSD17B4):c.1906A>C (p.Lys636Gln)

Gene: HSD17B4 (hydroxysteroid 17-beta dehydrogenase 4; plus strand). Cytogenetic location: 5q23.1.
Variant type: single nucleotide variant.
Coding change: c.1906A>C on transcript NM_000414.4 (MANE Select); coding-DNA position 1906, A replaced by C.
Protein change: p.Lys636Gln; replaces lysine 636 with glutamine.
Molecular consequence: missense variant. On other transcripts: non-coding transcript variant (2).
Genome position (GRCh38, 1-based): chr5:119,531,317, A>C. VCF-style: chr5-119531317-A-C. GRCh37 (hg19) VCF-style: chr5-118867012-A-C.
Other names: c.1981A>C, p.Lys661Gln (NM_001199291.3); c.1852A>C, p.Lys618Gln (NM_001199292.2); c.1834A>C, p.Lys612Gln (NM_001292027.2, NM_001374498.1); c.1486A>C, p.Lys496Gln (NM_001292028.2); c.1897A>C, p.Lys633Gln (NM_001374497.1); c.1579A>C, p.Lys527Gln (NM_001374499.1); c.1465A>C, p.Lys489Gln (NM_001374500.1); c.1495A>C, p.Lys499Gln (NM_001374501.1, NM_001374502.1, NM_001374503.1); short protein forms K489Q, K496Q, K527Q, K612Q, K633Q, K636Q, K618Q, K661Q.
Identifiers: ClinVar variation 5000297 (VCV005000297.1).

ClinVar aggregate classification (germline): Uncertain significance (1 of 4 stars; one submission).

Conditions:
HSD17B4-related disorder. Also called: HSD17B4-related disorders; HSD17B4-related condition.

gnomAD v4.1: 4 of 1,613,632 alleles (0.00025%); highest among the groups gnomAD compares: Non-Finnish European, 0.00034%; no homozygotes.

Submission:

PreventionGenetics, part of Exact Sciences
Classification: Uncertain significance for HSD17B4-related condition. Last evaluated: 2025-07-15. Review status: criteria provided, single submitter. Criteria: ACMG Guidelines, 2015. Collection method: clinical testing. Allele origin: germline.
Comment: The HSD17B4 c.1906A>C variant is predicted to result in the amino acid substitution p.Lys636Gln. To our knowledge, this variant has not been reported in the literature. This variant is reported in 0.0062% of alleles in individuals of African descent in gnomAD. At this time, the clinical significance of this variant is uncertain due to the absence of conclusive functional and genetic evidence.